The following is an entry in ClinVar:

NM_000434.4(NEU1):c.1070G>A (p.Arg357Gln)

Gene: NEU1 (neuraminidase 1; minus strand). Cytogenetic location: 6p21.33.
Variant type: single nucleotide variant.
Coding change: c.1070G>A on transcript NM_000434.4 (MANE Select); coding-DNA position 1070, G replaced by A.
Protein change: p.Arg357Gln; replaces arginine 357 with glutamine.
Molecular consequence: missense variant.
Genome position (GRCh38, 1-based): chr6:31,859,897, C>T on the plus strand (G>A on the coding strand, the complement: NEU1 is on the minus strand). VCF-style: chr6-31859897-C-T. GRCh37 (hg19) VCF-style: chr6-31827674-C-T.
Other names: short protein forms R357Q.
Identifiers: ClinVar variation 970835 (VCV000970835.6), dbSNP rs139301823, ClinGen allele CA3724881.
Genomic context (GRCh38, chr6:31,859,897, plus strand): 5'-TCCAGGGTTGCCAGGGATGAATAGCCACTGGGGCCTGGCCATAGCTGGACTGTCTCTTTC[C>T]GCCATGAGGTACCATTGCTGAAGCTCCATCGCAGGGTCAGGTTCACTCCTGGGGAGAGCA-3'
Protein context (NP_000425.1, residues 347-367): RWSFSNGTSW[Arg357Gln]KETVQLWPGP

ClinVar aggregate classification (germline): Conflicting classifications of pathogenicity. Review status: criteria provided, conflicting classifications (1 of 4 stars). 2 submissions from 2 submitters: Uncertain significance (1); Likely benign (1). Last evaluated 2024-09-09.

Allele frequency attached by ClinVar (database versions not stated): 1000 Genomes Project 30x 0.00031; 1000 Genomes Project 0.00040; gnomAD exomes 0.00046 and 0.00048; ExAC 0.00062; gnomAD 0.00078 and 0.00086; ESP Exome Variant Server 0.00083; TOPMed 0.00100.

Submissions (2):

Blueprint Genetics
Classification: Likely benign. Last evaluated: 2024-09-09. Review status: criteria provided, single submitter. Criteria: ACMG Guidelines, 2015. Collection method: clinical testing. Allele origin: germline.

Labcorp Genetics (formerly Invitae), Labcorp
Classification: Uncertain significance. Last evaluated: 2022-08-31. Review status: criteria provided, single submitter. Criteria: Invitae Variant Classification Sherloc (09022015). Collection method: clinical testing. Allele origin: germline.
Comment: This sequence change replaces arginine, which is basic and polar, with glutamine, which is neutral and polar, at codon 357 of the NEU1 protein (p.Arg357Gln). This variant is present in population databases (rs139301823, gnomAD 0.2%), and has an allele count higher than expected for a pathogenic variant. This variant has not been reported in the literature in individuals affected with NEU1-related conditions. ClinVar contains an entry for this variant (Variation ID: 970835). Algorithms developed to predict the effect of missense changes on protein structure and function output the following: SIFT: "Tolerated"; PolyPhen-2: "Benign"; Align-GVGD: "Class C0". The glutamine amino acid residue is found in multiple mammalian species, which suggests that this missense change does not adversely affect protein function. Algorithms developed to predict the effect of sequence changes on RNA splicing suggest that this variant may create or strengthen a splice site. In summary, the available evidence is currently insufficient to determine the role of this variant in disease. Therefore, it has been classified as a Variant of Uncertain Significance.